The following is an entry in ClinVar:

NM_000038.6(APC):c.3148G>A (p.Ala1050Thr)

Gene: APC (APC regulator of Wnt signaling pathway; plus strand). Cytogenetic location: 5q22.2.
Variant type: single nucleotide variant.
Coding change: c.3148G>A on transcript NM_000038.6 (MANE Select); coding-DNA position 3148, G replaced by A.
Protein change: p.Ala1050Thr; replaces alanine 1050 with threonine.
Molecular consequence: missense variant.
Genome position (GRCh38, 1-based): chr5:112,838,742, G>A. VCF-style: chr5-112838742-G-A. GRCh37 (hg19) VCF-style: chr5-112174439-G-A.
Other names: c.3064G>A, p.Ala1022Thr (NM_001354899.2); c.3025G>A, p.Ala1009Thr (NM_001354900.2); c.3178G>A, p.Ala1060Thr (NM_001354897.2); c.3073G>A, p.Ala1025Thr (NM_001354898.2); c.2971G>A, p.Ala991Thr (NM_001354901.2); c.2875G>A, p.Ala959Thr (NM_001354902.2); c.2845G>A, p.Ala949Thr (NM_001354903.2); c.2770G>A, p.Ala924Thr (NM_001354904.2); and 5 more; short protein forms A949T, A991T, A1009T, A1025T, A1060T, A890T, A959T, A1022T.
Identifiers: ClinVar variation 936594 (VCV000936594.10), dbSNP rs779121077, ClinGen allele CA034452.

ClinVar aggregate classification (germline): Uncertain significance. Review status: criteria provided, multiple submitters, no conflicts (2 of 4 stars). 2 submissions from 2 submitters: Uncertain significance (2). Last evaluated 2023-12-29.

Conditions:
Hereditary cancer-predisposing syndrome. Also called: Tumor predisposition; Hereditary neoplastic syndrome; Hereditary Cancer Syndrome; Neoplastic Syndromes, Hereditary. Identifiers: Orphanet 140162, MedGen C0027672, MeSH D009386, MONDO:0015356.
Familial adenomatous polyposis 1 (FAP1). Also called: POLYPOSIS, ADENOMATOUS INTESTINAL; FAMILIAL ADENOMATOUS POLYPOSIS 1, ATTENUATED. Identifiers: MedGen C2713442, MONDO:0021056, OMIM 175100. Disease mechanism: loss of function.

Allele frequency attached by ClinVar (database versions not stated): gnomAD exomes below 0.00001; ExAC 0.00001.
gnomAD v4.1: 2 of 1,614,110 alleles (0.00012%); highest among the groups gnomAD compares: Admixed American, 0.0017%; no homozygotes.

Submissions (2):

Ambry Genetics
Classification: Uncertain significance for Hereditary cancer-predisposing syndrome. Last evaluated: 2023-12-29. Review status: criteria provided, single submitter. Criteria: Ambry Variant Classification Scheme 2023. Collection method: clinical testing. Allele origin: germline.
Comment: The p.A1050T variant (also known as c.3148G>A), located in coding exon 15 of the APC gene, results from a G to A substitution at nucleotide position 3148. The alanine at codon 1050 is replaced by threonine, an amino acid with similar properties. This amino acid position is well conserved in available vertebrate species. In addition, in silico predictors for this gene do not accurately predict pathogenicity. Since supporting evidence is limited at this time, the clinical significance of this alteration remains unclear.

Labcorp Genetics (formerly Invitae), Labcorp
Classification: Uncertain significance for Familial adenomatous polyposis 1. Last evaluated: 2021-08-28. Review status: criteria provided, single submitter. Criteria: Invitae Variant Classification Sherloc (09022015). Collection method: clinical testing. Allele origin: germline.
Comment: This sequence change replaces alanine with threonine at codon 1050 of the APC protein (p.Ala1050Thr). The alanine residue is highly conserved and there is a small physicochemical difference between alanine and threonine. This variant is present in population databases (rs779121077, ExAC 0.009%). This variant has not been reported in the literature in individuals affected with APC-related conditions. Algorithms developed to predict the effect of missense changes on protein structure and function (SIFT, PolyPhen-2, Align-GVGD) all suggest that this variant is likely to be tolerated. In summary, the available evidence is currently insufficient to determine the role of this variant in disease. Therefore, it has been classified as a Variant of Uncertain Significance.